The following is an entry in ClinVar:

ClinVar aggregate classification (germline): Uncertain significance. Review status: criteria provided, single submitter (1 of 4 stars). 2 submissions from 2 submitters: Uncertain significance (1). 1 of the submissions does not count toward it. Last evaluated 2025-09-23.

Conditions:
Multiple monogenic benign skin tumours.
Birt-Hogg-Dube syndrome. Also called: Birt Hogg Dubé syndrome. Identifiers: Orphanet 122, MedGen C0346010, MONDO:0800444.

Submissions (2):

Genetics Laboratory, Great Ormond Street Hospital NHS Foundation Trust, North Thames Genomic Laboratory Hub
Classification: Uncertain significance for Multiple monogenic benign skin tumours. Last evaluated: 2025-09-23. Review status: criteria provided, single submitter. Criteria: ACGS Best Practice Guidelines for Variant Classification in Rare Disease 2024 v1.2. Collection method: clinical testing. Allele origin: germline. Affected: yes.
Comment: PS4_supporting, PM2_moderate, PP3_supporting, PP4_supporting

Division of Respiratory Medicine of Juntendo University, Juntendo University Faculty of Medicine and Graduate School of Medicine
Classification: Pathogenic for Birt-Hogg-Dube syndrome 1. Last evaluated: 2023-07-01. Review status: no assertion criteria provided. Collection method: clinical testing. Allele origin: germline. Affected: yes. Not counted in ClinVar's aggregate classification.

NM_144997.7(FLCN):c.1126T>A (p.Trp376Arg)

Gene: FLCN (folliculin; minus strand). Cytogenetic location: 17p11.2.
Variant type: single nucleotide variant.
Coding change: c.1126T>A on transcript NM_144997.7 (MANE Select); coding-DNA position 1126, T replaced by A.
Protein change: p.Trp376Arg; replaces tryptophan 376 with arginine.
Molecular consequence: missense variant.
Genome position (GRCh38, 1-based): chr17:17,217,119, A>T on the plus strand (T>A on the coding strand, the complement: FLCN is on the minus strand). VCF-style: chr17-17217119-A-T. GRCh37 (hg19) VCF-style: chr17-17120433-A-T.
Other names: c.1180T>A, p.Trp394Arg (NM_001353229.2); c.1126T>A, p.Trp376Arg (NM_001353230.2, NM_001353231.2); short protein forms W376R, W394R.
Identifiers: ClinVar variation 2578502 (VCV002578502.2), dbSNP rs2544173037, ClinGen allele CA398532275.